The following is an entry in ClinVar:

NM_000388.4(CASR):c.1912C>T (p.Arg638Cys)

Gene: CASR (calcium sensing receptor; plus strand). Cytogenetic location: 3q21.1.
Variant type: single nucleotide variant.
Coding change: c.1912C>T on transcript NM_000388.4 (MANE Select); coding-DNA position 1912, C replaced by T.
Protein change: p.Arg638Cys; replaces arginine 638 with cysteine.
Molecular consequence: missense variant.
Genome position (GRCh38, 1-based): chr3:122,283,866, C>T. VCF-style: chr3-122283866-C-T. GRCh37 (hg19) VCF-style: chr3-122002713-C-T.
Other names: c.1942C>T, p.Arg648Cys (NM_001178065.2); short protein forms R638C, R648C.
Identifiers: ClinVar variation 532584 (VCV000532584.13), dbSNP rs1185593894, ClinGen allele CA354157953.
Genomic context (GRCh38, chr3:122,283,866, plus strand): 5'-CTCTTTGCCGTGCTGGGCATTTTCCTGACAGCCTTTGTGCTGGGTGTGTTTATCAAGTTC[C>T]GCAACACACCCATTGTCAAGGCCACCAACCGAGAGCTCTCCTACCTCCTCCTCTTCTCCC-3'
Protein context (NP_000379.3, residues 628-648): AFVLGVFIKF[Arg638Cys]NTPIVKATNR

ClinVar aggregate classification (germline): Uncertain significance. Review status: criteria provided, multiple submitters, no conflicts (2 of 4 stars). 3 submissions from 3 submitters: Uncertain significance (3). Last evaluated 2025-03-17.

Conditions:
Nephrolithiasis/nephrocalcinosis. Identifiers: MedGen CN580796.
Autosomal dominant hypocalcemia 1 (HYPOC1). Also called: HYPOCALCEMIA, FAMILIAL. Identifiers: MedGen C3715128, MONDO:0011013, OMIM 601198.
Familial hypocalciuric hypercalcemia (FHH). Also called: Familial benign hypercalcemia. Identifiers: Orphanet 405, MedGen C1809471, MONDO:0018458.
Neonatal severe primary hyperparathyroidism. Identifiers: Orphanet 417, MedGen C1832615, MONDO:0009397, OMIM 239200.
Familial hypocalciuric hypercalcemia 1. Also called: Hypercalcemia, familial benign type 1. Identifiers: Orphanet 405, Orphanet 93372, MedGen C0342637, MONDO:0007791, OMIM 145980.
Epilepsy, idiopathic generalized, susceptibility to, 8. Identifiers: MedGen C2752062, MONDO:0013032, OMIM 612899.

Allele frequency attached by ClinVar (database versions not stated): TOPMed below 0.00001; gnomAD exomes 0.00001.
gnomAD v4.1: 14 of 1,613,936 alleles (0.00087%); highest among the groups gnomAD compares: South Asian, 0.0077%; no homozygotes.

Submissions (3):

Labcorp Genetics (formerly Invitae), Labcorp
Classification: Uncertain significance for Familial hypocalciuric hypercalcemia; Autosomal dominant hypocalcemia 1. Last evaluated: 2025-03-17. Review status: criteria provided, single submitter. Criteria: Invitae Variant Classification Sherloc (09022015). Collection method: clinical testing. Allele origin: germline.
Comment: This sequence change replaces arginine, which is basic and polar, with cysteine, which is neutral and slightly polar, at codon 638 of the CASR protein (p.Arg638Cys). This variant is present in population databases (no rsID available, gnomAD 0.005%). This variant has not been reported in the literature in individuals affected with CASR-related conditions. ClinVar contains an entry for this variant (Variation ID: 532584). An algorithm developed to predict the effect of missense changes on protein structure and function (PolyPhen-2) suggests that this variant is likely to be disruptive. In summary, the available evidence is currently insufficient to determine the role of this variant in disease. Therefore, it has been classified as a Variant of Uncertain Significance.

Fulgent Genetics
Classification: Uncertain significance for Familial hypocalciuric hypercalcemia 1; Neonatal severe primary hyperparathyroidism; Autosomal dominant hypocalcemia 1; Epilepsy, idiopathic generalized, susceptibility to, 8. Last evaluated: 2024-06-05. Review status: criteria provided, single submitter. Criteria: ACMG Guidelines, 2015. Collection method: clinical testing. Allele origin: germline.

Ambry Genetics
Classification: Uncertain significance for Nephrolithiasis/nephrocalcinosis. Last evaluated: 2020-08-13. Review status: criteria provided, single submitter. Criteria: Ambry Variant Classification Scheme 2023. Collection method: clinical testing. Allele origin: germline.
Comment: The p.R638C variant (also known as c.1912C>T), located in coding exon 6 of the CASR gene, results from a C to T substitution at nucleotide position 1912. The arginine at codon 638 is replaced by cysteine, an amino acid with highly dissimilar properties. This amino acid position is highly conserved in available vertebrate species. In addition, this alteration is predicted to be deleterious by in silico analysis.